The following is an entry in ClinVar:

ClinVar aggregate classification (germline): Uncertain significance. Review status: criteria provided, multiple submitters, no conflicts (2 of 4 stars). 2 submissions from 2 submitters: Uncertain significance (2). Last evaluated 2023-01-11.

Conditions:
Inborn genetic diseases. Identifiers: MedGen C0950123, MeSH D030342.
KDM6B-related disorder. Also called: KDM6B-related condition.

Submissions (2):

PreventionGenetics, part of Exact Sciences
Classification: Uncertain significance for KDM6B-related condition. Last evaluated: 2023-01-11. Review status: criteria provided, single submitter. Criteria: ACMG Guidelines, 2015. Collection method: clinical testing. Allele origin: germline.
Comment: The KDM6B c.1504G>A variant is predicted to result in the amino acid substitution p.Glu502Lys. To our knowledge, this variant has not been reported in the literature or in a large population database, indicating this variant is rare. At this time, the clinical significance of this variant is uncertain due to the absence of conclusive functional and genetic evidence.

Ambry Genetics
Classification: Uncertain significance for Inborn genetic diseases. Last evaluated: 2022-04-12. Review status: criteria provided, single submitter. Criteria: Ambry Variant Classification Scheme 2023. Collection method: clinical testing. Allele origin: germline.

NM_001348716.2(KDM6B):c.1504G>A (p.Glu502Lys)

Gene: KDM6B (lysine demethylase 6B; plus strand). Cytogenetic location: 17p13.1.
Variant type: single nucleotide variant.
Coding change: c.1504G>A on transcript NM_001348716.2 (MANE Select); coding-DNA position 1504, G replaced by A.
Protein change: p.Glu502Lys; replaces glutamic acid 502 with lysine.
Molecular consequence: missense variant.
Genome position (GRCh38, 1-based): chr17:7,847,792, G>A. VCF-style: chr17-7847792-G-A. GRCh37 (hg19) VCF-style: chr17-7751110-G-A.
Other names: c.1504G>A, p.Glu502Lys (NM_001080424.2); short protein forms E502K.
Identifiers: ClinVar variation 2283344 (VCV002283344.3), dbSNP rs867453229, ClinGen allele CA397916844.
Genomic context (GRCh38, chr17:7,847,792, plus strand): 5'-CCCCCTGCCTGGTTGAAGGGTCCGGCCTGCCGGGCAGCCCGAGAGGATGGAGAGATCTTA[G>A]AAGAGCTCTTCTTTGGGACTGAGGGACCCCCCCGCCCTGCCCCACCACCCCTCCCCCATC-3'
Protein context (NP_001335645.1, residues 492-512): RAAREDGEIL[Glu502Lys]ELFFGTEGPP